The following is an entry in ClinVar:

NM_005896.4(IDH1):c.16A>G (p.Ser6Gly)

Gene: IDH1 (isocitrate dehydrogenase (NADP(+)) 1; minus strand). Cytogenetic location: 2q34.
Variant type: single nucleotide variant.
Coding change: c.16A>G on transcript NM_005896.4 (MANE Select); coding-DNA position 16, A replaced by G.
Protein change: p.Ser6Gly; replaces serine 6 with glycine.
Molecular consequence: missense variant.
Genome position (GRCh38, 1-based): chr2:208,251,536, T>C on the plus strand (A>G on the coding strand, the complement: IDH1 is on the minus strand). VCF-style: chr2-208251536-T-C. GRCh37 (hg19) VCF-style: chr2-209116260-T-C.
Other names: c.16A>G, p.Ser6Gly (NM_001282386.1, NM_001282387.1); short protein forms S6G.
Identifiers: ClinVar variation 1778324 (VCV001778324.3), dbSNP rs141118556, ClinGen allele CA2079115.
Genomic context (GRCh38, chr2:208,251,536, plus strand): 5'-TCAATTCCCAAATGATTCGTGTCATTTCATCTCCTTGCATCTCTACCACAGAACCGCCAC[T>C]GATTTTTTTGGACATTTTGACTTCAATAAACCTAAAAAGAAAAAAAAAATACATGCCTTG-3'
Protein context (NP_005887.2, residues 1-16): MSKKI[Ser6Gly]GGSVVEMQGD

ClinVar aggregate classification (germline): Uncertain significance (1 of 4 stars; one submission).

Allele frequency attached by ClinVar (database versions not stated): ExAC 0.00011; ESP Exome Variant Server 0.00039; 1000 Genomes Project 30x 0.00047; 1000 Genomes Project 0.00060.
gnomAD v4.1: 76 of 1,613,850 alleles (0.0047%); highest among the groups gnomAD compares: African/African-American, 0.096%; 1 homozygote.

Submission:

Ambry Genetics
Classification: Uncertain significance. Last evaluated: 2024-09-27. Review status: criteria provided, single submitter. Criteria: Ambry Variant Classification Scheme 2023. Collection method: clinical testing. Allele origin: germline.
Comment: The p.S6G variant (also known as c.16A>G), located in coding exon 1 of the IDH1 gene, results from an A to G substitution at nucleotide position 16. The serine at codon 6 is replaced by glycine, an amino acid with similar properties. This amino acid position is conserved. In addition, this alteration is predicted to be tolerated by in silico analysis. Since supporting evidence is limited at this time, the clinical significance of this alteration remains unclear.